The following is an entry in ClinVar:

ClinVar aggregate classification (germline): Pathogenic. Review status: criteria provided, single submitter (1 of 4 stars). 2 submissions from 2 submitters: Pathogenic (1). 1 of the submissions does not count toward it. Last evaluated 2021-07-03.

Conditions:
Roberts-SC phocomelia syndrome (RBS). Also called: Hypomelia hypotrichosis facial hemangioma syndrome; LONG BONE DEFICIENCIES ASSOCIATED WITH CLEFT LIP-PALATE; Pseudothalidomide syndrome; Appelt-Gerken-Lenz syndrome; ESCO2 Spectrum Disorder. Identifiers: Orphanet 3103, MedGen C0392475, MONDO:0100253, OMIM 268300.

Allele frequency attached by ClinVar (database versions not stated): TOPMed below 0.00001.

Submissions (2):

Labcorp Genetics (formerly Invitae), Labcorp
Classification: Pathogenic. Last evaluated: 2021-07-03. Review status: criteria provided, single submitter. Criteria: Invitae Variant Classification Sherloc (09022015). Collection method: clinical testing. Allele origin: germline.
Comment: This sequence change creates a premature translational stop signal (p.Thr371Serfs*32) in the ESCO2 gene. It is expected to result in an absent or disrupted protein product. Loss-of-function variants in ESCO2 are known to be pathogenic (PMID: 15821733, 16380922). This variant is not present in population databases (ExAC no frequency). This premature translational stop signal has been observed in individual(s) with ESCO2-related conditions (PMID: 18411254, 30590172). ClinVar contains an entry for this variant (Variation ID: 21231). For these reasons, this variant has been classified as Pathogenic.

GeneReviews
No classification provided. Condition: Roberts-SC phocomelia syndrome. Review status: no classification provided. Collection method: literature only. Allele origin: unknown. Not counted in ClinVar's aggregate classification.

Literature cited by the submitters: PubMed 15821733 (cited by Labcorp Genetics (formerly Invitae), Labcorp); PubMed 16380922 (cited by Labcorp Genetics (formerly Invitae), Labcorp); PubMed 18411254 (cited by Labcorp Genetics (formerly Invitae), Labcorp and GeneReviews); PubMed 30590172 (cited by Labcorp Genetics (formerly Invitae), Labcorp); PubMed 20301332 (cited by GeneReviews); NCBI Bookshelf NBK1153 (cited by GeneReviews).

NM_001017420.3(ESCO2):c.1111_1112insG (p.Thr371fs)

Gene: ESCO2 (establishment of sister chromatid cohesion N-acetyltransferase 2; plus strand). Cytogenetic location: 8p21.1.
Variant type: Insertion.
Coding change: c.1111_1112insG on transcript NM_001017420.3 (MANE Select); coding-DNA positions 1111 to 1112, G inserted.
Protein change: p.Thr371fs; shifts the reading frame from threonine 371.
Molecular consequence: frameshift variant.
Genome position: GRCh38 VCF-style: chr8-27787982-A-AG. GRCh37 (hg19) VCF-style: chr8-27645499-A-AG.
Other names: short protein forms T371fs.
Identifiers: ClinVar variation 21231 (VCV000021231.9), dbSNP rs1554555716, ClinGen allele CA341778.
Genomic context (GRCh38, chr8:27,787,982, plus strand): 5'-AACTTCATGAAACAGACCAATATCCAGAAAAATACTAATACCAGAGATACAAGTAAAAAA[A>AG]CAAAAGACCAGCTCATCATCGTGAGTAAATTCCAAACAAAGCTTCTCCTATCTAGCCCTT-3'